The following is an entry in ClinVar:

NM_001366145.2(TRPM3):c.521A>C (p.Glu174Ala)

Gene: TRPM3 (transient receptor potential cation channel subfamily M member 3; minus strand). Cytogenetic location: 9q21.12.
Variant type: single nucleotide variant.
Coding change: c.521A>C on transcript NM_001366145.2 (MANE Select); coding-DNA position 521, A replaced by C.
Protein change: p.Glu174Ala; replaces glutamic acid 174 with alanine.
Molecular consequence: missense variant.
Genome position (GRCh38, 1-based): chr9:70,846,533, T>G on the plus strand (A>C on the coding strand, the complement: TRPM3 is on the minus strand). VCF-style: chr9-70846533-T-G. GRCh37 (hg19) VCF-style: chr9-73461449-T-G.
Other names: c.62A>C, p.Glu21Ala (NM_001007470.3, NM_024971.7, NM_206944.5 and 6 more transcripts); c.521A>C, p.Glu174Ala (NM_001007471.4, NM_001366146.2, NM_001366147.2 and 6 more transcripts); c.527A>C, p.Glu176Ala (NM_001366141.2, NM_001366142.2, NM_001366143.2 and 1 more transcripts); short protein forms E174A, E176A, E21A.
Identifiers: ClinVar variation 4527272 (VCV004527272.1).

ClinVar aggregate classification (germline): Uncertain significance (1 of 4 stars; one submission).

Submission:

GeneDx
Classification: Uncertain significance. Last evaluated: 2025-04-22. Review status: criteria provided, single submitter. Criteria: GeneDx Variant Classification Process June 2021. Collection method: clinical testing. Allele origin: germline. Affected: yes.
Comment: Not observed at significant frequency in large population cohorts (gnomAD); In silico analysis supports that this missense variant has a deleterious effect on protein structure/function; Has not been previously published as pathogenic or benign to our knowledge